The following is an entry in ClinVar:

NM_007294.4(BRCA1):c.3331_3335del (p.Gln1111fs)

Genes: BRCA1 (BRCA1 DNA repair associated; minus strand), LOC126862571 (BRD4-independent group 4 enhancer GRCh37_chr17:41243136-41244335; plus strand). Cytogenetic location: 17q21.31.
Variant type: Deletion.
Coding change: c.3331_3335del on transcript NM_007294.4 (MANE Select); coding-DNA positions 3331 to 3335, 5 bases deleted (CAAGA; older notation c.3331_3335delCAAGA).
Protein change: p.Gln1111fs; shifts the reading frame from glutamine 1111.
Molecular consequence: frameshift variant. On other transcripts: intron variant (137).
Genome position (GRCh38, 1-based): chr17:43,092,196-43,092,200, TCTTG deleted on the plus strand (CAAGA on the coding strand, the reverse complement: BRCA1 is on the minus strand). VCF-style (leftmost placement, unchanged base first): chr17-43092195-TTCTTG-T. GRCh37 (hg19) VCF-style: chr17-41244212-TTCTTG-T.
Other names: 3450del5; c.3187_3191del, p.Gln1063fs (NM_001407744.1, NM_001407745.1, NM_001407746.1 and 20 more transcripts); c.3190_3194del, p.Gln1064fs (NM_001407750.1, NM_001407751.1, NM_001407752.1 and 29 more transcripts); c.3118_3122del, p.Gln1040fs (NM_001407853.1, NM_001407894.1, NM_001407895.1 and 9 more transcripts); c.3331_3335del, p.Gln1111fs (NM_001407854.1, NM_001407858.1, NM_001407859.1 and 30 more transcripts); c.3328_3332del, p.Gln1110fs (NM_001407860.1, NM_001407861.1, NM_001407587.1 and 22 more transcripts); c.3130_3134del, p.Gln1044fs (NM_001407862.1); c.3208_3212del, p.Gln1070fs (NM_001407863.1, NM_001407919.1, NM_001407937.1 and 19 more transcripts); and 43 more; short protein forms Q1111fs, Q1064fs, Q1000fs, Q1043fs, Q1069fs, Q1040fs, Q1041fs, Q1110fs.
Identifiers: ClinVar variation 266355 (VCV000266355.6), dbSNP rs886040115, ClinGen allele CA10589765.

ClinVar aggregate classification (germline): Pathogenic. Review status: reviewed by expert panel (3 of 4 stars). 2 submissions from 2 submitters: Pathogenic (1). 1 of the submissions does not count toward it. Last evaluated 2016-10-18.

Conditions:
Breast-ovarian cancer, familial, susceptibility to, 1 (BROVCA1). Also called: BRCA1 Hereditary Breast and Ovarian Cancer; OVARIAN CANCER, SUSCEPTIBILITY TO. Identifiers: Orphanet 145, MedGen C2676676, MONDO:0011450, OMIM 604370. Disease mechanism: loss of function.

Submissions (2):

Evidence-based Network for the Interpretation of Germline Mutant Alleles (ENIGMA)
Classification: Pathogenic for Breast-ovarian cancer, familial, susceptibility to, 1. Last evaluated: 2016-10-18. Review status: reviewed by expert panel. Criteria: ENIGMA BRCA1/2 Classification Criteria (2015). Collection method: curation. Allele origin: germline.
Comment: Variant allele predicted to encode a truncated non-functional protein.

Consortium of Investigators of Modifiers of BRCA1/2 (CIMBA), c/o University of Cambridge
Classification: Pathogenic for Breast-ovarian cancer, familial, susceptibility to, 1. Last evaluated: 2015-10-02. Review status: criteria provided, single submitter. Criteria: CIMBA Mutation Classification guidelines May 2016. Collection method: clinical testing. Allele origin: germline. Not counted in ClinVar's aggregate classification.